The following is an entry in ClinVar:

NM_000051.4(ATM):c.5496+11T>G

Gene: ATM (ATM serine/threonine kinase; plus strand). Cytogenetic location: 11q22.3.
Variant type: single nucleotide variant.
Coding change: c.5496+11T>G on transcript NM_000051.4 (MANE Select); 11 bases into the intron after coding-DNA position 5496, T replaced by G.
Molecular consequence: intron variant.
Genome position (GRCh38, 1-based): chr11:108,303,040, T>G. VCF-style: chr11-108303040-T-G. GRCh37 (hg19) VCF-style: chr11-108173767-T-G.
Other names: c.5496+11T>G (NM_001351834.2).
Identifiers: ClinVar variation 377518 (VCV000377518.3), dbSNP rs751491395, ClinGen allele CA16606195.

ClinVar aggregate classification (germline): Likely benign. Review status: criteria provided, multiple submitters, no conflicts (2 of 4 stars). 2 submissions from 2 submitters: Likely benign (2). Last evaluated 2024-12-22.

Conditions:
Ataxia-telangiectasia syndrome (AT). Also called: LOUIS-BAR SYNDROME; ATAXIA-TELANGIECTASIA, COMPLEMENTATION GROUP A; ATAXIA-TELANGIECTASIA, FRESNO VARIANT; Ataxia-telangiectasia; Ataxia telangiectasia (A-T); Cerebello-oculocutaneous telangiectasia. Identifiers: Orphanet 100, MedGen C0004135, MONDO:0008840, OMIM 208900.

gnomAD v4.1: 3 of 1,604,350 alleles (0.00019%); highest among the groups gnomAD compares: Admixed American, 0.0017%; no homozygotes.

Submissions (2):

Labcorp Genetics (formerly Invitae), Labcorp
Classification: Likely benign for Ataxia-telangiectasia syndrome. Last evaluated: 2024-12-22. Review status: criteria provided, single submitter. Criteria: Invitae Variant Classification Sherloc (09022015). Collection method: clinical testing. Allele origin: germline.

GeneDx
Classification: Likely benign. Last evaluated: 2016-04-12. Review status: criteria provided, single submitter. Criteria: GeneDx Variant Classification (06012015). Collection method: clinical testing. Allele origin: germline. Affected: yes.
Comment: This variant is considered likely benign or benign based on one or more of the following criteria: it is a conservative change, it occurs at a poorly conserved position in the protein, it is predicted to be benign by multiple in silico algorithms, and/or has population frequency not consistent with disease.